The following is an entry in ClinVar:

NM_003922.4(HERC1):c.6323T>A (p.Met2108Lys)

Gene: HERC1 (HECT and RLD domain containing E3 ubiquitin protein ligase family member 1; minus strand). Cytogenetic location: 15q22.31.
Variant type: single nucleotide variant.
Coding change: c.6323T>A on transcript NM_003922.4 (MANE Select); coding-DNA position 6323, T replaced by A.
Protein change: p.Met2108Lys; replaces methionine 2108 with lysine.
Molecular consequence: missense variant.
Genome position (GRCh38, 1-based): chr15:63,680,679, A>T on the plus strand (T>A on the coding strand, the complement: HERC1 is on the minus strand). VCF-style: chr15-63680679-A-T. GRCh37 (hg19) VCF-style: chr15-63972878-A-T.
Other names: short protein forms M2108K.
Identifiers: ClinVar variation 3630615 (VCV003630615.2).
Genomic context (GRCh38, chr15:63,680,679, plus strand): 5'-AATGTGAGAGTCTGTTCTCCATTGTGATAGAGGTTACCACTGTAGGCCCTATAGAGCCAC[A>T]TATCCGAGGTAGTGCGGTGATTAAAGTCATGTACTGGCCAGCGAGAAACTCCAACACACG-3'
Protein context (NP_003913.3, residues 2098-2118): HDFNHRTTSD[Met2108Lys]WLYRAYSGNL

ClinVar aggregate classification (germline): Uncertain significance (1 of 4 stars; one submission).

gnomAD v4.1: 5 of 1,613,924 alleles (0.00031%); highest among the groups gnomAD compares: Non-Finnish European, 0.00042%; no homozygotes.

Submission:

Labcorp Genetics (formerly Invitae), Labcorp
Classification: Uncertain significance. Last evaluated: 2024-08-20. Review status: criteria provided, single submitter. Criteria: Invitae Variant Classification Sherloc (09022015). Collection method: clinical testing. Allele origin: germline.
Comment: This sequence change replaces methionine, which is neutral and non-polar, with lysine, which is basic and polar, at codon 2108 of the HERC1 protein (p.Met2108Lys). This variant is not present in population databases (gnomAD no frequency). This variant has not been reported in the literature in individuals affected with HERC1-related conditions. Invitae Evidence Modeling of protein sequence and biophysical properties (such as structural, functional, and spatial information, amino acid conservation, physicochemical variation, residue mobility, and thermodynamic stability) indicates that this missense variant is not expected to disrupt HERC1 protein function with a negative predictive value of 80%. In summary, the available evidence is currently insufficient to determine the role of this variant in disease. Therefore, it has been classified as a Variant of Uncertain Significance.